The following is an entry in ClinVar:

ClinVar aggregate classification (germline): Likely pathogenic (1 of 4 stars; one submission).

Conditions:
Developmental and epileptic encephalopathy 103 (DEE103). Identifiers: MedGen C5677002, MONDO:0030957, OMIM 619913.

Allele frequency attached by ClinVar (database versions not stated): gnomAD exomes below 0.00001; gnomAD 0.00001; TOPMed 0.00001.
gnomAD v4.1: 2 of 1,613,302 alleles (0.00012%); highest among the groups gnomAD compares: African/African-American, 0.0013%; no homozygotes.

Submission:

MVZ Medizinische Genetik Mainz
Classification: Likely pathogenic for Developmental and epileptic encephalopathy 103. Last evaluated: 2023-12-01. Review status: criteria provided, single submitter. Criteria: UK Practice Guidelines For Variant Classification V4 01 2020. Collection method: clinical testing. Allele origin: germline. Inheritance: Autosomal dominant inheritance. Affected: yes. Observed: 1 variant allele.
Comment: ACMG Criteria: PP3_STR,PM1_SUP,PM2_SUP,PP2

NM_139137.4(KCNC2):c.1210G>A (p.Glu404Lys)

Gene: KCNC2 (potassium voltage-gated channel subfamily C member 2; minus strand). Cytogenetic location: 12q21.1.
Variant type: single nucleotide variant.
Coding change: c.1210G>A on transcript NM_139137.4 (MANE Select); coding-DNA position 1210, G replaced by A.
Protein change: p.Glu404Lys; replaces glutamic acid 404 with lysine.
Molecular consequence: missense variant. On other transcripts: non-coding transcript variant (1).
Genome position (GRCh38, 1-based): chr12:75,050,795, C>T on the plus strand (G>A on the coding strand, the complement: KCNC2 is on the minus strand). VCF-style: chr12-75050795-C-T. GRCh37 (hg19) VCF-style: chr12-75444575-C-T.
Other names: c.1210G>A, p.Glu404Lys (NM_001260497.2, NM_001260498.2, NM_001260499.2 and 13 more transcripts); short protein forms E404K.
Identifiers: ClinVar variation 3234060 (VCV003234060.1), dbSNP rs1260222970, ClinGen allele CA385925625.